The following is an entry in ClinVar:

ClinVar aggregate classification (germline): Uncertain significance. Review status: criteria provided, multiple submitters, no conflicts (2 of 4 stars). 2 submissions from 2 submitters: Uncertain significance (2). Last evaluated 2025-12-26.

Conditions:
PRPH-related disorder. Also called: PRPH-related condition.
Inborn genetic diseases. Identifiers: MedGen C0950123, MeSH D030342.

Allele frequency attached by ClinVar (database versions not stated): ExAC 0.00002; gnomAD exomes 0.00002; gnomAD 0.00003; TOPMed 0.00004.
gnomAD v4.1: 35 of 1,598,866 alleles (0.0022%); highest among the groups gnomAD compares: Admixed American, 0.019%; no homozygotes.

Submissions (2):

PreventionGenetics, part of Exact Sciences
Classification: Uncertain significance for PRPH-related condition. Last evaluated: 2025-12-26. Review status: criteria provided, single submitter. Criteria: ACMG Guidelines, 2015. Collection method: clinical testing. Allele origin: germline.
Comment: The PRPH c.326C>T variant is predicted to result in the amino acid substitution p.Ala109Val. To our knowledge, this variant has not been reported in the literature. This variant is reported in 0.025% of alleles in individuals of Latino descent in gnomAD. At this time, the clinical significance of this variant is uncertain due to the absence of conclusive functional and genetic evidence.

Ambry Genetics
Classification: Uncertain significance for Inborn genetic diseases. Last evaluated: 2025-08-25. Review status: criteria provided, single submitter. Criteria: Ambry Variant Classification Scheme 2023. Collection method: clinical testing. Allele origin: germline.

NM_006262.4(PRPH):c.326C>T (p.Ala109Val)

Genes: PRPH (peripherin; plus strand), TROAP-AS1 (TROAP and PRPH antisense RNA 1; minus strand). Cytogenetic location: 12q13.12.
Variant type: single nucleotide variant.
Coding change: c.326C>T on transcript NM_006262.4 (MANE Select); coding-DNA position 326, C replaced by T.
Protein change: p.Ala109Val; replaces alanine 109 with valine.
Molecular consequence: missense variant. On other transcripts: non-coding transcript variant (1).
Genome position (GRCh38, 1-based): chr12:49,295,526, C>T. VCF-style: chr12-49295526-C-T. GRCh37 (hg19) VCF-style: chr12-49689309-C-T.
Other names: short protein forms A109V.
Identifiers: ClinVar variation 2465101 (VCV002465101.4), dbSNP rs756599531, ClinGen allele CA6550819.
Genomic context (GRCh38, chr12:49,295,526, plus strand): 5'-AGTTCCTGGCCACGCGCAGCAACGAGAAGCAGGAGCTGCAGGAGCTCAACGACCGCTTCG[C>T]CAACTTCATCGAGAAGGTACGCTTTCTGGAGCAGCAGAACGCGGCCCTGCGCGGGGAGCT-3'
Protein context (NP_006253.2, residues 99-119): QELQELNDRF[Ala109Val]NFIEKVRFLE